The following is an entry in ClinVar:

NM_000093.5(COL5A1):c.3578C>T (p.Pro1193Leu)

Gene: COL5A1 (collagen type V alpha 1 chain; plus strand). Cytogenetic location: 9q34.3.
Variant type: single nucleotide variant.
Coding change: c.3578C>T on transcript NM_000093.5 (MANE Select); coding-DNA position 3578, C replaced by T.
Protein change: p.Pro1193Leu; replaces proline 1193 with leucine.
Molecular consequence: missense variant.
Genome position (GRCh38, 1-based): chr9:134,811,388, C>T. VCF-style: chr9-134811388-C-T. GRCh37 (hg19) VCF-style: chr9-137703234-C-T.
Other names: c.3578C>T, p.Pro1193Leu (NM_001278074.1); short protein forms P1193L.
Identifiers: ClinVar variation 1434736 (VCV001434736.8), dbSNP rs2132844501, ClinGen allele CA375453915.

ClinVar aggregate classification (germline): Uncertain significance (1 of 4 stars; one submission).

Conditions:
Ehlers-Danlos syndrome, classic type, 1 (EDSCL1). Also called: EHLERS-DANLOS SYNDROME, GRAVIS TYPE; EHLERS-DANLOS SYNDROME, SEVERE CLASSIC TYPE; Ehlers-Danlos syndrome, type 1; Ehlers-Danlos Syndrome, Classic Type, COL5A1-Related; EDS I. Identifiers: MedGen C0268335, MONDO:0019567, OMIM 130000.

Submission:

Labcorp Genetics (formerly Invitae), Labcorp
Classification: Uncertain significance for Ehlers-Danlos syndrome, classic type, 1. Last evaluated: 2020-11-23. Review status: criteria provided, single submitter. Criteria: Invitae Variant Classification Sherloc (09022015). Collection method: clinical testing. Allele origin: germline.
Comment: In summary, the available evidence is currently insufficient to determine the role of this variant in disease. Therefore, it has been classified as a Variant of Uncertain Significance. Advanced modeling of protein sequence and biophysical properties (such as structural, functional, and spatial information, amino acid conservation, physicochemical variation, residue mobility, and thermodynamic stability) performed at Invitae indicates that this missense variant is not expected to disrupt COL5A1 protein function. This variant has not been reported in the literature in individuals with COL5A1-related conditions. This variant is not present in population databases (ExAC no frequency). This sequence change replaces proline with leucine at codon 1193 of the COL5A1 protein (p.Pro1193Leu). The proline residue is highly conserved and there is a moderate physicochemical difference between proline and leucine.